The following is an entry in ClinVar:

ClinVar aggregate classification (germline): Benign/Likely benign. Review status: criteria provided, multiple submitters, no conflicts (2 of 4 stars). 3 submissions from 3 submitters: Benign (1); Likely benign (2). Last evaluated 2026-04-23.

Conditions:
Colorectal cancer, susceptibility to, 1. Also called: COLORECTAL ADENOMA AND CANCER, SUSCEPTIBILITY TO; COLORECTAL CANCER, SUSCEPTIBILITY TO, ON CHROMOSOME 9. Identifiers: MedGen C1837315, MONDO:0012132, OMIM 608812.

Allele frequency attached by ClinVar (database versions not stated): gnomAD exomes 0.00002 and 0.00001; TOPMed 0.00003.
gnomAD v4.1: 15 of 1,614,022 alleles (0.00093%); highest among the groups gnomAD compares: Non-Finnish European, 0.00025%; no homozygotes.

Submissions (3):

Myriad Genetics, Inc.
Classification: Benign for Colorectal cancer, susceptibility to, 1. Last evaluated: 2026-04-23. Review status: criteria provided, single submitter. Criteria: Myriad Autosomal Dominant, Autosomal Recessive and X-Linked Classification Criteria (2023). Collection method: clinical testing. Allele origin: unknown.
Comment: This variant is considered benign. This variant is a silent/synonymous amino acid change and it is not expected to impact splicing.

Labcorp Genetics (formerly Invitae), Labcorp
Classification: Likely benign. Last evaluated: 2024-09-21. Review status: criteria provided, single submitter. Criteria: Invitae Variant Classification Sherloc (09022015). Collection method: clinical testing. Allele origin: germline.

Ambry Genetics
Classification: Likely benign. Last evaluated: 2017-04-19. Review status: criteria provided, single submitter. Criteria: Ambry Variant Classification Scheme 2023. Collection method: clinical testing. Allele origin: germline.

NM_024642.5(GALNT12):c.477C>G (p.Val159=)

Gene: GALNT12 (polypeptide N-acetylgalactosaminyltransferase 12; plus strand). Cytogenetic location: 9q22.33.
Variant type: single nucleotide variant.
Coding change: c.477C>G on transcript NM_024642.5 (MANE Select); coding-DNA position 477, C replaced by G.
Protein change: p.Val159=; no amino-acid change (valine 159 retained).
Molecular consequence: synonymous variant.
Genome position (GRCh38, 1-based): chr9:98,823,361, C>G. VCF-style: chr9-98823361-C-G. GRCh37 (hg19) VCF-style: chr9-101585643-C-G.
Identifiers: ClinVar variation 485656 (VCV000485656.9), dbSNP rs1014512076, ClinGen allele CA196816596.
Genomic context (GRCh38, chr9:98,823,361, plus strand): 5'-TGTTATCATAGCATTTTATAATGAAGCCTGGTCAACTCTCCTTCGGACAGTTTACAGTGT[C>G]CTTGAGACATCCCCGGATATCCTGCTAGAAGAAGTGATCCTTGTAGATGACTACAGTGAT-3'
Protein context (NP_078918.3, residues 149-169): WSTLLRTVYS[Val159=]LETSPDILLE